The following is an entry in ClinVar:

NM_002439.5(MSH3):c.3232G>A (p.Val1078Ile)

Gene: MSH3 (mutS homolog 3; plus strand). Cytogenetic location: 5q14.1.
Variant type: single nucleotide variant.
Coding change: c.3232G>A on transcript NM_002439.5 (MANE Select); coding-DNA position 3232, G replaced by A.
Protein change: p.Val1078Ile; replaces valine 1078 with isoleucine.
Molecular consequence: missense variant.
Genome position (GRCh38, 1-based): chr5:80,873,217, G>A. VCF-style: chr5-80873217-G-A. GRCh37 (hg19) VCF-style: chr5-80169036-G-A.
Other names: short protein forms V1078I.
Identifiers: ClinVar variation 657140 (VCV000657140.15), dbSNP rs1240927970, ClinGen allele CA360346992.
Genomic context (GRCh38, chr5:80,873,217, plus strand): 5'-CAAATAACTAGAGGAATTGCAGCAAGGAGTTATGGATTAAATGTGGCTAAACTAGCAGAT[G>A]TTCCTGGAGAAATTTTGAAGAAAGCAGCTCACAAGTCAAAAGAGCTGGAAGGATTAATAA-3'
Protein context (NP_002430.3, residues 1068-1088): YGLNVAKLAD[Val1078Ile]PGEILKKAAH

ClinVar aggregate classification (germline): Uncertain significance. Review status: criteria provided, multiple submitters, no conflicts (2 of 4 stars). 3 submissions from 3 submitters: Uncertain significance (3). Last evaluated 2025-09-23.

Conditions:
MSH3-related disorder. Also called: MSH3-related condition.
Hereditary cancer-predisposing syndrome. Also called: Tumor predisposition; Hereditary neoplastic syndrome; Hereditary Cancer Syndrome; Neoplastic Syndromes, Hereditary. Identifiers: Orphanet 140162, MedGen C0027672, MeSH D009386, MONDO:0015356.

Allele frequency attached by ClinVar (database versions not stated): TOPMed below 0.00001; gnomAD 0.00001; gnomAD exomes 0.00001.
gnomAD v4.1: 10 of 1,613,880 alleles (0.00062%); highest among the groups gnomAD compares: Non-Finnish European, 0.00085%; no homozygotes.

Submissions (3):

Labcorp Genetics (formerly Invitae), Labcorp
Classification: Uncertain significance. Last evaluated: 2025-09-23. Review status: criteria provided, single submitter. Criteria: Invitae Variant Classification Sherloc (09022015). Collection method: clinical testing. Allele origin: germline.
Comment: This sequence change replaces valine, which is neutral and non-polar, with isoleucine, which is neutral and non-polar, at codon 1078 of the MSH3 protein (p.Val1078Ile). This variant is not present in population databases (gnomAD no frequency). This variant has not been reported in the literature in individuals affected with MSH3-related conditions. ClinVar contains an entry for this variant (Variation ID: 657140). An algorithm developed to predict the effect of missense changes on protein structure and function outputs the following: PolyPhen-2: "Benign". The isoleucine amino acid residue is found in multiple mammalian species, which suggests that this missense change does not adversely affect protein function. In summary, the available evidence is currently insufficient to determine the role of this variant in disease. Therefore, it has been classified as a Variant of Uncertain Significance.

PreventionGenetics, part of Exact Sciences
Classification: Uncertain significance for MSH3-related condition. Last evaluated: 2025-09-17. Review status: criteria provided, single submitter. Criteria: ACMG Guidelines, 2015. Collection method: clinical testing. Allele origin: germline.
Comment: The MSH3 c.3232G>A variant is predicted to result in the amino acid substitution p.Val1078Ile. To our knowledge, this variant has not been reported in the literature or in a large population database (gnomAD), indicating this variant is rare. This variant is interpreted as uncertain in ClinVar (Variation ID: 657140). At this time, the clinical significance of this variant is uncertain due to the absence of conclusive functional and genetic evidence.

Ambry Genetics
Classification: Uncertain significance for Hereditary cancer-predisposing syndrome. Last evaluated: 2024-05-04. Review status: criteria provided, single submitter. Criteria: Ambry Variant Classification Scheme 2023. Collection method: clinical testing. Allele origin: germline.
Comment: The p.V1078I variant (also known as c.3232G>A), located in coding exon 23 of the MSH3 gene, results from a G to A substitution at nucleotide position 3232. The valine at codon 1078 is replaced by isoleucine, an amino acid with highly similar properties. This amino acid position is not well conserved in available vertebrate species. In addition, this alteration is predicted to be tolerated by in silico analysis. Since supporting evidence is limited at this time, the clinical significance of this alteration remains unclear.